The following is an entry in ClinVar:

NM_000204.5(CFI):c.560G>C (p.Arg187Pro)

Gene: CFI (complement factor I; minus strand). Cytogenetic location: 4q25.
Variant type: single nucleotide variant.
Coding change: c.560G>C on transcript NM_000204.5 (MANE Select); coding-DNA position 560, G replaced by C.
Protein change: p.Arg187Pro; replaces arginine 187 with proline.
Molecular consequence: missense variant. On other transcripts: 5 prime UTR variant (1), non-coding transcript variant (3).
Genome position (GRCh38, 1-based): chr4:109,761,615, C>G on the plus strand (G>C on the coding strand, the complement: CFI is on the minus strand). VCF-style: chr4-109761615-C-G. GRCh37 (hg19) VCF-style: chr4-110682771-C-G.
Other names: c.560G>C, p.Arg187Pro (NM_001375281.1, NM_001375282.1, NM_001375283.1 and 5 more transcripts); c.-50G>C (NM_001375284.1); short protein forms R187P.
Identifiers: ClinVar variation 3709118 (VCV003709118.2).

ClinVar aggregate classification (germline): Uncertain significance (1 of 4 stars; one submission).

gnomAD v4.1: 2 of 1,613,772 alleles (0.00012%); highest among the groups gnomAD compares: Non-Finnish European, 0.00017%; no homozygotes.

Submission:

Labcorp Genetics (formerly Invitae), Labcorp
Classification: Uncertain significance. Last evaluated: 2025-01-05. Review status: criteria provided, single submitter. Criteria: Invitae Variant Classification Sherloc (09022015). Collection method: clinical testing. Allele origin: germline.
Comment: This sequence change replaces arginine, which is basic and polar, with proline, which is neutral and non-polar, at codon 187 of the CFI protein (p.Arg187Pro). This variant is not present in population databases (gnomAD no frequency). This variant has not been reported in the literature in individuals affected with CFI-related conditions. Invitae Evidence Modeling of protein sequence and biophysical properties (such as structural, functional, and spatial information, amino acid conservation, physicochemical variation, residue mobility, and thermodynamic stability) has been performed for this missense variant. However, the output from this modeling did not meet the statistical confidence thresholds required to predict the impact of this variant on CFI protein function. In summary, the available evidence is currently insufficient to determine the role of this variant in disease. Therefore, it has been classified as a Variant of Uncertain Significance.